The following is an entry in ClinVar:

NM_006755.2(TALDO1):c.477G>C (p.Gln159His)

Genes: TALDO1 (transaldolase 1; plus strand), LOC126861110 (CDK7 strongly-dependent group 2 enhancer GRCh37_chr11:762588-763787; plus strand). Cytogenetic location: 11p15.5.
Variant type: single nucleotide variant.
Coding change: c.477G>C on transcript NM_006755.2 (MANE Select); coding-DNA position 477, G replaced by C.
Protein change: p.Gln159His; replaces glutamine 159 with histidine.
Molecular consequence: missense variant.
Genome position (GRCh38, 1-based): chr11:763,359, G>C. VCF-style: chr11-763359-G-C. GRCh37 (hg19) VCF-style: chr11-763359-G-C.
Other names: c.477G>C (NM_006755.1); short protein forms Q159H.
Identifiers: ClinVar variation 1438576 (VCV001438576.6), dbSNP rs1263376020, ClinGen allele CA378934115.

ClinVar aggregate classification (germline): Uncertain significance. Review status: criteria provided, single submitter (1 of 4 stars). 2 submissions from 2 submitters: Uncertain significance (1). 1 of the submissions does not count toward it. Last evaluated 2021-09-24.

Conditions:
TALDO1-related disorder. Also called: TALDO1-related condition.

Allele frequency attached by ClinVar (database versions not stated): gnomAD exomes below 0.00001.
gnomAD v4.1: 5 of 1,595,534 alleles (0.00031%); highest among the groups gnomAD compares: African/African-American, 0.0014%; no homozygotes.

Submissions (2):

Labcorp Genetics (formerly Invitae), Labcorp
Classification: Uncertain significance. Last evaluated: 2021-09-24. Review status: criteria provided, single submitter. Criteria: Invitae Variant Classification Sherloc (09022015). Collection method: clinical testing. Allele origin: germline.
Comment: This sequence change replaces glutamine with histidine at codon 159 of the TALDO1 protein (p.Gln159His). The glutamine residue is weakly conserved and there is a small physicochemical difference between glutamine and histidine. This variant is not present in population databases (ExAC no frequency). This variant has not been reported in the literature in individuals with TALDO1-related conditions. Algorithms developed to predict the effect of missense changes on protein structure and function output the following: SIFT: "Deleterious"; PolyPhen-2: "Benign"; Align-GVGD: "Class C0". The histidine amino acid residue is found in multiple mammalian species, suggesting that this missense change does not adversely affect protein function. These predictions have not been confirmed by published functional studies and their clinical significance is uncertain. In summary, the available evidence is currently insufficient to determine the role of this variant in disease. Therefore, it has been classified as a Variant of Uncertain Significance.

PreventionGenetics, part of Exact Sciences
Classification: Uncertain significance for TALDO1-related condition. Last evaluated: 2024-06-26. Review status: no assertion criteria provided. Collection method: clinical testing. Allele origin: germline. Not counted in ClinVar's aggregate classification.
Comment: The TALDO1 c.477G>C variant is predicted to result in the amino acid substitution p.Gln159His. To our knowledge, this variant has not been reported in the literature or in a large population database, indicating this variant is rare. At this time, the clinical significance of this variant is uncertain due to the absence of conclusive functional and genetic evidence.